The following is an entry in ClinVar:

NM_001127208.3(TET2):c.1502G>C (p.Cys501Ser)

Genes: TET2 (tet methylcytosine dioxygenase 2; plus strand), TET2-AS1 (TET2 antisense RNA 1; minus strand). Cytogenetic location: 4q24.
Variant type: single nucleotide variant.
Coding change: c.1502G>C on transcript NM_001127208.3 (MANE Select); coding-DNA position 1502, G replaced by C.
Protein change: p.Cys501Ser; replaces cysteine 501 with serine.
Molecular consequence: missense variant.
Genome position (GRCh38, 1-based): chr4:105,235,444, G>C. VCF-style: chr4-105235444-G-C. GRCh37 (hg19) VCF-style: chr4-106156601-G-C.
Other names: c.1502G>C, p.Cys501Ser (NM_017628.4); short protein forms C501S.
Identifiers: ClinVar variation 3455385 (VCV003455385.1).

ClinVar aggregate classification (germline): Uncertain significance (1 of 4 stars; one submission).

gnomAD v4.1: 1 of 1,614,184 alleles (0.000062%); highest among the groups gnomAD compares: African/African-American, 0.0013%; no homozygotes.

Submission:

Ambry Genetics
Classification: Uncertain significance. Last evaluated: 2024-12-07. Review status: criteria provided, single submitter. Criteria: Ambry Variant Classification Scheme 2023. Collection method: clinical testing. Allele origin: germline.
Comment: The p.C501S variant (also known as c.1502G>C), located in coding exon 1 of the TET2 gene, results from a G to C substitution at nucleotide position 1502. The cysteine at codon 501 is replaced by serine, an amino acid with dissimilar properties. This amino acid position is conserved. In addition, this alteration is predicted to be tolerated by in silico analysis. Based on the available evidence, the clinical significance of this variant remains unclear.